The following is an entry in ClinVar:

NM_153240.5(NPHP3):c.3635G>T (p.Gly1212Val)

Genes: NPHP3 (nephrocystin 3; minus strand), NPHP3-ACAD11 (NPHP3-ACAD11 readthrough (NMD candidate); minus strand). Cytogenetic location: 3q22.1.
Variant type: single nucleotide variant.
Coding change: c.3635G>T on transcript NM_153240.5 (MANE Select); coding-DNA position 3635, G replaced by T.
Protein change: p.Gly1212Val; replaces glycine 1212 with valine.
Molecular consequence: missense variant. On other transcripts: non-coding transcript variant (1).
Genome position (GRCh38, 1-based): chr3:132,683,460, C>A on the plus strand (G>T on the coding strand, the complement: NPHP3 is on the minus strand). VCF-style: chr3-132683460-C-A. GRCh37 (hg19) VCF-style: chr3-132402304-C-A.
Other names: short protein forms G1212V.
Identifiers: ClinVar variation 2128872 (VCV002128872.4), dbSNP rs2530377116, ClinGen allele CA354578567.

ClinVar aggregate classification (germline): Uncertain significance (1 of 4 stars; one submission).

Conditions:
Nephronophthisis. Also called: Juvenile Nephronophthisis. Identifiers: Orphanet 655, MedGen C0687120, MONDO:0019005, HP:0000090.

Submission:

Labcorp Genetics (formerly Invitae), Labcorp
Classification: Uncertain significance for Nephronophthisis. Last evaluated: 2023-08-04. Review status: criteria provided, single submitter. Criteria: Invitae Variant Classification Sherloc (09022015). Collection method: clinical testing. Allele origin: germline.
Comment: This variant is not present in population databases (gnomAD no frequency). This variant has not been reported in the literature in individuals affected with NPHP3-related conditions. ClinVar contains an entry for this variant (Variation ID: 2128872). Advanced modeling of protein sequence and biophysical properties (such as structural, functional, and spatial information, amino acid conservation, physicochemical variation, residue mobility, and thermodynamic stability) has been performed at Invitae for this missense variant, however the output from this modeling did not meet the statistical confidence thresholds required to predict the impact of this variant on NPHP3 protein function. In summary, the available evidence is currently insufficient to determine the role of this variant in disease. Therefore, it has been classified as a Variant of Uncertain Significance. This sequence change replaces glycine, which is neutral and non-polar, with valine, which is neutral and non-polar, at codon 1212 of the NPHP3 protein (p.Gly1212Val).